The following is an entry in ClinVar:

NM_001330588.2(TPP2):c.594G>C (p.Leu198Phe)

Gene: TPP2 (tripeptidyl peptidase 2; plus strand). Cytogenetic location: 13q33.1.
Variant type: single nucleotide variant.
Coding change: c.594G>C on transcript NM_001330588.2 (MANE Select); coding-DNA position 594, G replaced by C.
Protein change: p.Leu198Phe; replaces leucine 198 with phenylalanine.
Molecular consequence: missense variant. On other transcripts: non-coding transcript variant (1).
Genome position (GRCh38, 1-based): chr13:102,618,820, G>C. VCF-style: chr13-102618820-G-C. GRCh37 (hg19) VCF-style: chr13-103271170-G-C.
Other names: c.594G>C, p.Leu198Phe (NM_001367947.1, NM_003291.4); short protein forms L198F.
Identifiers: ClinVar variation 1446811 (VCV001446811.5), dbSNP rs1436538025, ClinGen allele CA388475613.
Genomic context (GRCh38, chr13:102,618,820, plus strand): 5'-GGAATTGCTAAATTCTTTTGAGAAGAAATACAGCGATCCTGGCCCTGTATATGACTGCTT[G>C]GTATGGCATGATGGCGAAGTCTGGAGGTAAACTTCGTGTATTTTATACATCTTCATTTAC-3'
Protein context (NP_001317517.1, residues 188-208): YSDPGPVYDC[Leu198Phe]VWHDGEVWRA

ClinVar aggregate classification (germline): Uncertain significance (1 of 4 stars; one submission).

Conditions:
Evans syndrome, immunodeficiency, and premature immunosenescence associated with tripeptidyl-peptidase II deficiency. Identifiers: MedGen CN231723. Disease mechanism: loss of function.

Allele frequency attached by ClinVar (database versions not stated): gnomAD exomes below 0.00001; gnomAD 0.00001; TOPMed 0.00001.
gnomAD v4.1: 3 of 1,610,718 alleles (0.00019%); highest among the groups gnomAD compares: Non-Finnish European, 0.00025%; no homozygotes.

Submission:

Labcorp Genetics (formerly Invitae), Labcorp
Classification: Uncertain significance for Evans syndrome, immunodeficiency, and premature immunosenescence associated with tripeptidyl-peptidase II deficiency. Last evaluated: 2021-08-27. Review status: criteria provided, single submitter. Criteria: Invitae Variant Classification Sherloc (09022015). Collection method: clinical testing. Allele origin: germline.
Comment: This sequence change replaces leucine with phenylalanine at codon 198 of the TPP2 protein (p.Leu198Phe). The leucine residue is moderately conserved and there is a small physicochemical difference between leucine and phenylalanine. This variant is not present in population databases (ExAC no frequency). This variant has not been reported in the literature in individuals affected with TPP2-related conditions. Algorithms developed to predict the effect of missense changes on protein structure and function are either unavailable or do not agree on the potential impact of this missense change (SIFT: "Deleterious"; PolyPhen-2: "Possibly Damaging"; Align-GVGD: "Class C0"). In summary, the available evidence is currently insufficient to determine the role of this variant in disease. Therefore, it has been classified as a Variant of Uncertain Significance.